The following is an entry in ClinVar:

NM_017433.5(MYO3A):c.1575T>A (p.Asn525Lys)

Gene: MYO3A (myosin IIIA; plus strand). Cytogenetic location: 10p12.1.
Variant type: single nucleotide variant.
Coding change: c.1575T>A on transcript NM_017433.5 (MANE Select); coding-DNA position 1575, T replaced by A.
Protein change: p.Asn525Lys; replaces asparagine 525 with lysine.
Molecular consequence: missense variant.
Genome position (GRCh38, 1-based): chr10:26,096,393, T>A. VCF-style: chr10-26096393-T-A. GRCh37 (hg19) VCF-style: chr10-26385322-T-A.
Other names: short protein forms N525K.
Identifiers: ClinVar variation 3372283 (VCV003372283.1).

ClinVar aggregate classification (germline): Uncertain significance (1 of 4 stars; one submission).

gnomAD v4.1: 6 of 1,610,822 alleles (0.00037%); highest among the groups gnomAD compares: East Asian, 0.0022%; no homozygotes.

Submission:

GeneDx
Classification: Uncertain significance. Last evaluated: 2024-04-19. Review status: criteria provided, single submitter. Criteria: GeneDx Variant Classification Process June 2021. Collection method: clinical testing. Allele origin: germline. Affected: yes.
Comment: Not observed at significant frequency in large population cohorts (gnomAD); In silico analysis supports that this missense variant has a deleterious effect on protein structure/function; Has not been previously published as pathogenic or benign to our knowledge